The following is an entry in ClinVar:

ClinVar aggregate classification (germline): Benign. Review status: criteria provided, multiple submitters, no conflicts (2 of 4 stars). 3 submissions from 3 submitters: Benign (3). Last evaluated 2023-11-12.

Allele frequency attached by ClinVar (database versions not stated): 1000 Genomes Project 30x 0.12836; 1000 Genomes Project 0.12959; TOPMed 0.17923; gnomAD 0.18548 and 0.18732; ESP Exome Variant Server 0.19782; gnomAD exomes 0.19796 and 0.22963; ExAC 0.20359.
gnomAD v4.1: 347,301 of 1,545,322 alleles (22%); highest among the groups gnomAD compares: Non-Finnish European, 25%; 41,292 homozygotes.

Submissions (3):

Unidad de Genómica Garrahan, Hospital de Pediatría Garrahan
Classification: Benign. Last evaluated: 2023-11-12. Review status: criteria provided, single submitter. Criteria: ACMG Guidelines, 2015. Collection method: clinical testing. Allele origin: germline. Affected: no. Observed: 33 variant alleles.
Comment: This variant is classified as Benign based on local population frequency. This variant was detected in 34% of patients studied by a panel of primary immunodeficiencies. Number of patients: 33. Only high quality variants are reported.

GeneDx
Classification: Benign. Last evaluated: 2021-06-19. Review status: criteria provided, single submitter. Criteria: GeneDx Variant Classification Process June 2021. Collection method: clinical testing. Allele origin: germline. Affected: yes.

Breakthrough Genomics
Classification: Benign. Review status: criteria provided, single submitter. Criteria: ACMG Guidelines, 2015. Collection method: not provided. Allele origin: germline. Inheritance: Autosomal recessive inheritance. Affected: yes.

NM_001128148.3(TFRC):c.-23-28C>T

Gene: TFRC (transferrin receptor; minus strand). Cytogenetic location: 3q29.
Variant type: single nucleotide variant.
Coding change: c.-23-28C>T on transcript NM_001128148.3 (MANE Select); 28 bases into the intron before 23 bases upstream of the start codon, C replaced by T.
Molecular consequence: intron variant.
Genome position (GRCh38, 1-based): chr3:196,077,150, G>A on the plus strand (C>T on the coding strand, the complement: TFRC is on the minus strand). VCF-style: chr3-196077150-G-A. GRCh37 (hg19) VCF-style: chr3-195804021-G-A.
Other names: c.-471-28C>T (NM_001313966.2); c.-64-28C>T (NM_001313965.2); c.-23-28C>T (NM_003234.4).
Identifiers: ClinVar variation 1287653 (VCV001287653.4), dbSNP rs41300435, ClinGen allele CA2778445.
Genomic context (GRCh38, chr3:196,077,150, plus strand): 5'-GATCCATCATTCTGAACTGCCACACAGAAGAACCTAGGTATCAGAATAGAGAATTATTGA[G>A]AAAGATACTACTGTATCAGATTAGTGAGCTTTCTATTACCAGGCTAAATGATACATTAAA-3'